The following is an entry in ClinVar:

ClinVar aggregate classification (germline): Uncertain significance. Review status: criteria provided, multiple submitters, no conflicts (2 of 4 stars). 2 submissions from 2 submitters: Uncertain significance (2). Last evaluated 2025-09-26.

Conditions:
Inborn genetic diseases. Identifiers: MedGen C0950123, MeSH D030342.

Allele frequency attached by ClinVar (database versions not stated): TOPMed below 0.00001.
gnomAD v4.1: 1 of 1,614,216 alleles (0.000062%); no homozygotes.

Submissions (2):

Ambry Genetics
Classification: Uncertain significance for Inborn genetic diseases. Last evaluated: 2025-09-26. Review status: criteria provided, single submitter. Criteria: Ambry Variant Classification Scheme 2023. Collection method: clinical testing. Allele origin: germline.

Labcorp Genetics (formerly Invitae), Labcorp
Classification: Uncertain significance. Last evaluated: 2025-03-17. Review status: criteria provided, single submitter. Criteria: Invitae Variant Classification Sherloc (09022015). Collection method: clinical testing. Allele origin: germline.
Comment: This sequence change replaces threonine, which is neutral and polar, with isoleucine, which is neutral and non-polar, at codon 448 of the CDHR1 protein (p.Thr448Ile). This variant is not present in population databases (gnomAD no frequency). This variant has not been reported in the literature in individuals affected with CDHR1-related conditions. ClinVar contains an entry for this variant (Variation ID: 1047292). Invitae Evidence Modeling of protein sequence and biophysical properties (such as structural, functional, and spatial information, amino acid conservation, physicochemical variation, residue mobility, and thermodynamic stability) indicates that this missense variant is not expected to disrupt CDHR1 protein function with a negative predictive value of 80%. In summary, the available evidence is currently insufficient to determine the role of this variant in disease. Therefore, it has been classified as a Variant of Uncertain Significance.

NM_033100.4(CDHR1):c.1343C>T (p.Thr448Ile)

Gene: CDHR1 (cadherin related family member 1; plus strand). Cytogenetic location: 10q23.1.
Variant type: single nucleotide variant.
Coding change: c.1343C>T on transcript NM_033100.4 (MANE Select); coding-DNA position 1343, C replaced by T.
Protein change: p.Thr448Ile; replaces threonine 448 with isoleucine.
Molecular consequence: missense variant.
Genome position (GRCh38, 1-based): chr10:84,211,023, C>T. VCF-style: chr10-84211023-C-T. GRCh37 (hg19) VCF-style: chr10-85970779-C-T.
Other names: c.1343C>T, p.Thr448Ile (NM_001171971.3); c.1343C>T (NM_033100.2); short protein forms T448I.
Identifiers: ClinVar variation 1047292 (VCV001047292.11), dbSNP rs906183147, ClinGen allele CA377376633.
Genomic context (GRCh38, chr10:84,211,023, plus strand): 5'-GCCTACCCAGACAAGTCCCCATTTTCCCCCCTTCCCAGCTCCTGGCTGTTGAAGTGAACA[C>T]CCCAGAGAAGTTCAGTTCCACAGCGGATGTTGTGATCCAGCTCCTGGACACCAATGACAA-3'
Protein context (NP_149091.1, residues 438-458): TFKLLAVEVN[Thr448Ile]PEKFSSTADV